The following is an entry in ClinVar:

NM_001367549.1(ATP13A3):c.2728C>T (p.Pro910Ser)

Gene: ATP13A3 (ATPase 13A3; minus strand). Cytogenetic location: 3q29.
Variant type: single nucleotide variant.
Coding change: c.2728C>T on transcript NM_001367549.1 (MANE Select); coding-DNA position 2728, C replaced by T.
Protein change: p.Pro910Ser; replaces proline 910 with serine.
Molecular consequence: missense variant. On other transcripts: non-coding transcript variant (2).
Genome position (GRCh38, 1-based): chr3:194,430,121, G>A on the plus strand (C>T on the coding strand, the complement: ATP13A3 is on the minus strand). VCF-style: chr3-194430121-G-A. GRCh37 (hg19) VCF-style: chr3-194150850-G-A.
Other names: c.2728C>T (NM_024524.3); c.2647C>T, p.Pro883Ser (NM_001374836.1); c.2728C>T, p.Pro910Ser (NM_024524.4); short protein forms P883S, P910S.
Identifiers: ClinVar variation 3668791 (VCV003668791.3).

ClinVar aggregate classification (germline): Uncertain significance. Review status: criteria provided, multiple submitters, no conflicts (2 of 4 stars). 2 submissions from 2 submitters: Uncertain significance (2). Last evaluated 2025-09-11.

Submissions (2):

Ambry Genetics
Classification: Uncertain significance. Last evaluated: 2025-09-11. Review status: criteria provided, single submitter. Criteria: Ambry Variant Classification Scheme 2023. Collection method: clinical testing. Allele origin: germline.

Labcorp Genetics (formerly Invitae), Labcorp
Classification: Uncertain significance. Last evaluated: 2024-11-30. Review status: criteria provided, single submitter. Criteria: Invitae Variant Classification Sherloc (09022015). Collection method: clinical testing. Allele origin: germline.
Comment: This sequence change replaces proline, which is neutral and non-polar, with serine, which is neutral and polar, at codon 910 of the ATP13A3 protein (p.Pro910Ser). This variant is not present in population databases (gnomAD no frequency). This variant has not been reported in the literature in individuals affected with ATP13A3-related conditions. Invitae Evidence Modeling of protein sequence and biophysical properties (such as structural, functional, and spatial information, amino acid conservation, physicochemical variation, residue mobility, and thermodynamic stability) indicates that this missense variant is not expected to disrupt ATP13A3 protein function with a negative predictive value of 80%. In summary, the available evidence is currently insufficient to determine the role of this variant in disease. Therefore, it has been classified as a Variant of Uncertain Significance.